The following is an entry in ClinVar:

NM_002473.6(MYH9):c.790G>A (p.Ala264Thr)

Gene: MYH9 (myosin heavy chain 9; minus strand). Cytogenetic location: 22q12.3.
Variant type: single nucleotide variant.
Coding change: c.790G>A on transcript NM_002473.6 (MANE Select); coding-DNA position 790, G replaced by A.
Protein change: p.Ala264Thr; replaces alanine 264 with threonine.
Molecular consequence: missense variant.
Genome position (GRCh38, 1-based): chr22:36,320,876, C>T on the plus strand (G>A on the coding strand, the complement: MYH9 is on the minus strand). VCF-style: chr22-36320876-C-T. GRCh37 (hg19) VCF-style: chr22-36716921-C-T.
Other names: c.790G>A (NM_002473.4); short protein forms A264T.
Identifiers: ClinVar variation 3020637 (VCV003020637.4), dbSNP rs1050634599, ClinGen allele CA323606811.

ClinVar aggregate classification (germline): Conflicting classifications of pathogenicity. Review status: criteria provided, conflicting classifications (1 of 4 stars). 2 submissions from 2 submitters: Uncertain significance (1); Likely benign (1). Last evaluated 2026-03-27.

Allele frequency attached by ClinVar (database versions not stated): TOPMed 0.00002; gnomAD exomes 0.00001; gnomAD 0.00003.
gnomAD v4.1: 11 of 1,613,762 alleles (0.00068%); highest among the groups gnomAD compares: Non-Finnish European, 0.00076%; no homozygotes.

Submissions (2):

GeneDx
Classification: Uncertain significance. Last evaluated: 2026-03-27. Review status: criteria provided, single submitter. Criteria: GeneDx Variant Classification Process June 2021. Collection method: clinical testing. Allele origin: germline.
Comment: In silico analysis supports that this missense variant has a deleterious effect on protein structure/function; Has not been previously published as pathogenic or benign to our knowledge

Labcorp Genetics (formerly Invitae), Labcorp
Classification: Likely benign. Last evaluated: 2022-12-17. Review status: criteria provided, single submitter. Criteria: Invitae Variant Classification Sherloc (09022015). Collection method: clinical testing. Allele origin: germline.